The following is an entry in ClinVar:

ClinVar aggregate classification (germline): Uncertain significance (1 of 4 stars; one submission).

Submission:

GeneDx
Classification: Uncertain significance. Last evaluated: 2023-11-21. Review status: criteria provided, single submitter. Criteria: GeneDx Variant Classification Process June 2021. Collection method: clinical testing. Allele origin: germline. Affected: yes.
Comment: Not observed at significant frequency in large population cohorts (gnomAD); In silico analysis supports that this missense variant does not alter protein structure/function; Has not been previously published as pathogenic or benign to our knowledge

NM_001194.4(HCN2):c.250C>T (p.Arg84Cys)

Gene: HCN2 (hyperpolarization activated cyclic nucleotide gated potassium and sodium channel 2; plus strand). Cytogenetic location: 19p13.3.
Variant type: single nucleotide variant.
Coding change: c.250C>T on transcript NM_001194.4 (MANE Select); coding-DNA position 250, C replaced by T.
Protein change: p.Arg84Cys; replaces arginine 84 with cysteine.
Molecular consequence: missense variant.
Genome position (GRCh38, 1-based): chr19:590,195, C>T. VCF-style: chr19-590195-C-T. GRCh37 (hg19) VCF-style: chr19-590195-C-T.
Other names: short protein forms R84C.
Identifiers: ClinVar variation 3364653 (VCV003364653.1).